The following is an entry in ClinVar:

NM_015692.5(CPAMD8):c.4620C>T (p.Asp1540=)

Gene: CPAMD8 (C3 and PZP like alpha-2-macroglobulin domain containing 8; minus strand). Cytogenetic location: 19p13.11.
Variant type: single nucleotide variant.
Coding change: c.4620C>T on transcript NM_015692.5 (MANE Select); coding-DNA position 4620, C replaced by T.
Protein change: p.Asp1540=; no amino-acid change (aspartic acid 1540 retained).
Molecular consequence: synonymous variant.
Genome position (GRCh38, 1-based): chr19:16,902,714, G>A on the plus strand (C>T on the coding strand, the complement: CPAMD8 is on the minus strand). VCF-style: chr19-16902714-G-A. GRCh37 (hg19) VCF-style: chr19-17013524-G-A.
Identifiers: ClinVar variation 2649523 (VCV002649523.24), dbSNP rs748210595, ClinGen allele CA9284539.

ClinVar aggregate classification (germline): Likely benign (1 of 4 stars; one submission).

Allele frequency attached by ClinVar (database versions not stated): TOPMed 0.00002; ExAC 0.00003; gnomAD 0.00003; gnomAD exomes 0.00003.
gnomAD v4.1: 50 of 1,605,194 alleles (0.0031%); highest among the groups gnomAD compares: Middle Eastern, 0.056%; no homozygotes.

Submission:

CeGaT Center for Human Genetics Tuebingen
Classification: Likely benign. Last evaluated: 2023-04-01. Review status: criteria provided, single submitter. Criteria: CeGaT Center For Human Genetics Tuebingen Variant Classification Criteria Version 2. Collection method: clinical testing. Allele origin: germline. Affected: yes. Observed: 1 variant allele.
Comment: CPAMD8: BP4, BP7